The following is an entry in ClinVar:

NM_006231.4(POLE):c.990C>T (p.Gly330=)

Gene: POLE (DNA polymerase epsilon, catalytic subunit; minus strand). Cytogenetic location: 12q24.33.
Variant type: single nucleotide variant.
Coding change: c.990C>T on transcript NM_006231.4 (MANE Select); coding-DNA position 990, C replaced by T.
Protein change: p.Gly330=; no amino-acid change (glycine 330 retained).
Molecular consequence: synonymous variant.
Genome position (GRCh38, 1-based): chr12:132,676,124, G>A on the plus strand (C>T on the coding strand, the complement: POLE is on the minus strand). VCF-style: chr12-132676124-G-A. GRCh37 (hg19) VCF-style: chr12-133252710-G-A.
Identifiers: ClinVar variation 2778383 (VCV002778383.4), dbSNP rs2043045687, ClinGen allele CA482722942.
Genomic context (GRCh38, chr12:132,676,124, plus strand): 5'-CGGGTAGTTTCCCAAGTGATACCTCCTTACCTCATCGGGTTCATTGAAGACACAAAAGGG[G>A]CCTTCATATTCTGGCTTGGGGGTGAACTCAAAATCTTCAATATCTTCTGAAACAATCTCC-3'
Protein context (NP_006222.2, residues 320-340): FEFTPKPEYE[Gly330=]PFCVFNEPDE

ClinVar aggregate classification (germline): Benign/Likely benign. Review status: criteria provided, multiple submitters, no conflicts (2 of 4 stars). 2 submissions from 2 submitters: Benign (1); Likely benign (1). Last evaluated 2025-02-07.

Conditions:
Colorectal cancer, susceptibility to, 12 (CRCS12). Also called: COLORECTAL CANCER, SUSCEPTIBILITY TO, ON CHROMOSOME 12q24. Identifiers: Orphanet 220460, MedGen C3554460, MONDO:0014038, OMIM 615083.

Submissions (2):

Myriad Genetics, Inc.
Classification: Benign for Colorectal cancer, susceptibility to, 12. Last evaluated: 2025-02-07. Review status: criteria provided, single submitter. Criteria: Myriad Autosomal Dominant, Autosomal Recessive and X-Linked Classification Criteria (2023). Collection method: clinical testing. Allele origin: unknown.
Comment: This variant is considered benign. This variant is a silent/synonymous amino acid change and it is not expected to impact splicing.

Labcorp Genetics (formerly Invitae), Labcorp
Classification: Likely benign. Last evaluated: 2023-11-22. Review status: criteria provided, single submitter. Criteria: Invitae Variant Classification Sherloc (09022015). Collection method: clinical testing. Allele origin: germline.